The following is an entry in ClinVar:

NM_198253.3(TERT):c.1589C>T (p.Pro530Leu)

Gene: TERT (telomerase reverse transcriptase; minus strand). Cytogenetic location: 5p15.33.
Variant type: single nucleotide variant.
Coding change: c.1589C>T on transcript NM_198253.3 (MANE Select); coding-DNA position 1589, C replaced by T.
Protein change: p.Pro530Leu; replaces proline 530 with leucine.
Molecular consequence: missense variant. On other transcripts: non-coding transcript variant (2).
Genome position (GRCh38, 1-based): chr5:1,282,609, G>A on the plus strand (C>T on the coding strand, the complement: TERT is on the minus strand). VCF-style: chr5-1282609-G-A. GRCh37 (hg19) VCF-style: chr5-1282724-G-A.
Other names: c.1589C>T, p.Pro530Leu (NM_001193376.3); short protein forms P530L.
Identifiers: ClinVar variation 242218 (VCV000242218.10), dbSNP rs369539932, ClinGen allele CA3184798.
Genomic context (GRCh38, chr5:1,282,609, plus strand): 5'-CTCATCAGCCAGTGCAGGAACTTGGCCAGGATCTCCTCACGCAGACGGTGCTCTGCGGCC[G>A]GAACACAGCCAACCCCTTAAACGAGAAGGACATGCCACATCCAGATCACCGAGGGCCTGG-3'
Protein context (NP_937983.2, residues 520-540): LRRSPGVGCV[Pro530Leu]AAEHRLREEI

ClinVar aggregate classification (germline): Uncertain significance. Review status: criteria provided, multiple submitters, no conflicts (2 of 4 stars). 4 submissions from 4 submitters: Uncertain significance (4). Last evaluated 2025-09-23.

Conditions:
Idiopathic Pulmonary Fibrosis. Also called: Idiopathic fibrosing alveolitis, chronic form; idiopathic fibrosing alveolitis. Identifiers: Orphanet 2032, MedGen C1800706, MeSH D054990, MONDO:0800504.
Dyskeratosis congenita, autosomal dominant 2. Identifiers: MedGen C3151443, MONDO:0013521, OMIM 613989.
Dyskeratosis congenita. Identifiers: Orphanet 1775, MedGen C0265965, MONDO:0015780.

Allele frequency attached by ClinVar (database versions not stated): gnomAD 0.00001; TOPMed 0.00001; ExAC 0.00002; ESP Exome Variant Server 0.00008.

Submissions (4):

Ambry Genetics
Classification: Uncertain significance for Dyskeratosis congenita. Last evaluated: 2025-09-23. Review status: criteria provided, single submitter. Criteria: Ambry Variant Classification Scheme 2023. Collection method: clinical testing. Allele origin: germline.
Comment: The p.P530L variant (also known as c.1589C>T), located in coding exon 3 of the TERT gene, results from a C to T substitution at nucleotide position 1589. The proline at codon 530 is replaced by leucine, an amino acid with similar properties. This variant was reported as heterozygous in individual(s) with features consistent with TERT-related disorder (Calado RT et al. Hepatology, 2011 May;53:1600-7; Carrillo J et al. Blood Cells Mol Dis Jun;49:140-6; Vogiatzi P et al. Pediatr Blood Cancer, 2013 Jun;60:E4-6). This variant has been identified in conjunction with other TERT variant(s) in individual(s) with features consistent with autosomal recessive TERT-related disorder; in at least one instance, the variants were identified in trans (Vogiatzi P et al. Pediatr Blood Cancer, 2013 Jun;60:E4-6). This amino acid position is highly conserved in available vertebrate species. In addition, this alteration is predicted to be deleterious by in silico analysis. Based on the available evidence, the clinical significance of this variant remains unclear.

Women's Health and Genetics/Laboratory Corporation of America, LabCorp
Classification: Uncertain significance. Last evaluated: 2025-06-11. Review status: criteria provided, single submitter. Criteria: LabCorp Variant Classification Summary - May 2015. Collection method: clinical testing. Allele origin: germline.
Comment: Variant summary: TERT c.1589C>T (p.Pro530Leu) results in a non-conservative amino acid change in the encoded protein sequence. Algorithms developed to predict the effect of missense changes on protein structure and function all suggest that this variant is likely to be disruptive. The variant allele was found at a frequency of 1.2e-05 in 250614 control chromosomes (gnomAD). c.1589C>T has been observed in individuals affected with Dyskeratosis congenita (e.g., Carillo_2012, Vogiatzi_2013, Callopy_2015). These data indicate that the variant may be associated with disease. Publications report experimental evidence evaluating an impact on protein function. The most pronounced variant effect results in 30%-50% of normal activity (Calado_2011). The following publications have been ascertained in the context of this evaluation (PMID: 21520173, 22664374, 23335200, 26024875). ClinVar contains an entry for this variant (Variation ID: 242218). Based on the evidence outlined above, the variant was classified as VUS-possibly pathogenic.

Baylor Genetics
Classification: Uncertain significance for Dyskeratosis congenita, autosomal dominant 2. Last evaluated: 2024-02-15. Review status: criteria provided, single submitter. Criteria: ACMG Guidelines, 2015. Collection method: clinical testing. Allele origin: unknown.

Labcorp Genetics (formerly Invitae), Labcorp
Classification: Uncertain significance for Dyskeratosis congenita, autosomal dominant 2; Idiopathic Pulmonary Fibrosis. Last evaluated: 2023-10-30. Review status: criteria provided, single submitter. Criteria: Invitae Variant Classification Sherloc (09022015). Collection method: clinical testing. Allele origin: germline.
Comment: This sequence change replaces proline, which is neutral and non-polar, with leucine, which is neutral and non-polar, at codon 530 of the TERT protein (p.Pro530Leu). This variant is present in population databases (rs369539932, gnomAD 0.007%). This missense change has been observed in individual(s) with non-alcoholic steatohepatitis (NASH), dyskeratosis congenita (DKC), and autosomal recessive Hoyeraal Hreidarrson syndrome (HHS) (PMID: 21520173, 22664374, 23335200, 26024875). ClinVar contains an entry for this variant (Variation ID: 242218). Advanced modeling of protein sequence and biophysical properties (such as structural, functional, and spatial information, amino acid conservation, physicochemical variation, residue mobility, and thermodynamic stability) performed at Invitae indicates that this missense variant is expected to disrupt TERT protein function with a positive predictive value of 95%. Experimental studies are conflicting or provide insufficient evidence to determine the effect of this variant on TERT function (PMID: 21520173, 23335200). Algorithms developed to predict the effect of sequence changes on RNA splicing suggest that this variant may create or strengthen a splice site. In summary, the available evidence is currently insufficient to determine the role of this variant in disease. Therefore, it has been classified as a Variant of Uncertain Significance.

Literature cited by the submitters: PubMed 21520173 (cited by 3 submitters); PubMed 22664374 (cited by 3 submitters); PubMed 23335200 (cited by 3 submitters); PubMed 26024875 (cited by Women's Health and Genetics/Laboratory Corporation of America, LabCorp and Labcorp Genetics (formerly Invitae), Labcorp).